The following is an entry in ClinVar:

ClinVar aggregate classification (germline): Likely benign. Review status: criteria provided, multiple submitters, no conflicts (2 of 4 stars). 2 submissions from 2 submitters: Likely benign (2). Last evaluated 2026-08-03.

Conditions:
COL6A2-related disorder.

Allele frequency attached by ClinVar (database versions not stated): gnomAD 0.00005; TOPMed 0.00008; ExAC 0.00013.
gnomAD v4.1: 126 of 1,611,136 alleles (0.0078%); highest among the groups gnomAD compares: Middle Eastern, 0.016%; 1 homozygote.

Submissions (2):

PreventionGenetics, part of Exact Sciences
Classification: Likely benign for COL6A2-related condition. Last evaluated: 2026-08-03. Review status: criteria provided, single submitter. Criteria: ACMG Guidelines, 2015. Collection method: clinical testing. Allele origin: germline.
Comment: This variant is classified as likely benign based on ACMG/AMP sequence variant interpretation guidelines (Richards et al. 2015 PMID: 25741868, with internal and published modifications).

CeGaT Center for Human Genetics Tuebingen
Classification: Likely benign. Last evaluated: 2026-05-01. Review status: criteria provided, single submitter. Criteria: CeGaT Center For Human Genetics Tuebingen Variant Classification Criteria Version 2. Collection method: clinical testing. Allele origin: germline. Affected: yes. Observed: 3 variant alleles.
Comment: COL6A2: BP4

NM_001849.4(COL6A2):c.2461+2355G>A

Gene: COL6A2 (collagen type VI alpha 2 chain; plus strand). Cytogenetic location: 21q22.3.
Variant type: single nucleotide variant.
Coding change: c.2461+2355G>A on transcript NM_001849.4 (MANE Select); 2355 bases into the intron after coding-DNA position 2461, G replaced by A.
Molecular consequence: intron variant.
Genome position (GRCh38, 1-based): chr21:46,128,896, G>A. VCF-style: chr21-46128896-G-A. GRCh37 (hg19) VCF-style: chr21-47548810-G-A.
Other names: c.2462-7G>A (NM_058175.3, NM_058175.2); c.2462-300G>A (NM_058174.3).
Identifiers: ClinVar variation 2652800 (VCV002652800.25), dbSNP rs769355903, ClinGen allele CA10072667.